The following is an entry in ClinVar:

NM_032608.7(MYO18B):c.1459G>A (p.Gly487Arg)

Gene: MYO18B (myosin XVIIIB; plus strand). Cytogenetic location: 22q12.1.
Variant type: single nucleotide variant.
Coding change: c.1459G>A on transcript NM_032608.7 (MANE Select); coding-DNA position 1459, G replaced by A.
Protein change: p.Gly487Arg; replaces glycine 487 with arginine.
Molecular consequence: missense variant.
Genome position (GRCh38, 1-based): chr22:25,769,375, G>A. VCF-style: chr22-25769375-G-A. GRCh37 (hg19) VCF-style: chr22-26165342-G-A.
Other names: c.1459G>A, p.Gly487Arg (NM_001318245.2); c.1459G>A (NM_032608.6); short protein forms G487R.
Identifiers: ClinVar variation 1431350 (VCV001431350.5), dbSNP rs370452415, ClinGen allele CA10159826.

ClinVar aggregate classification (germline): Uncertain significance. Review status: criteria provided, multiple submitters, no conflicts (2 of 4 stars). 3 submissions from 3 submitters: Uncertain significance (3). Last evaluated 2026-01-20.

Conditions:
MYO18B-related disorder. Also called: MYO18B-related condition.
Klippel-Feil anomaly-myopathy-facial dysmorphism syndrome. Also called: Klippel-feil syndrome 4, autosomal recessive, with nemaline myopathy and facial dysmorphism; Klippel-Feil syndrome 4, autosomal recessive, with myopathy and facial dysmorphism. Identifiers: Orphanet 447974, MedGen C4225285, MONDO:0014689, OMIM 616549.

Allele frequency attached by ClinVar (database versions not stated): 1000 Genomes Project 0.00020; 1000 Genomes Project 30x 0.00031.
gnomAD v4.1: 84 of 1,573,940 alleles (0.0053%); highest among the groups gnomAD compares: East Asian, 0.15%; no homozygotes.

Submissions (3):

PreventionGenetics, part of Exact Sciences
Classification: Uncertain significance for MYO18B-related condition. Last evaluated: 2026-01-20. Review status: criteria provided, single submitter. Criteria: ACMG Guidelines, 2015. Collection method: clinical testing. Allele origin: germline.
Comment: The MYO18B c.1459G>A variant is predicted to result in the amino acid substitution p.Gly487Arg. To our knowledge, this variant has not been reported in the literature. This variant is reported in 0.19% of alleles in individuals of East Asian descent in gnomAD. Although we suspect that this variant may be benign, at this time, the clinical significance of this variant is uncertain due to the absence of conclusive functional and genetic evidence.

Fulgent Genetics
Classification: Uncertain significance for Klippel-Feil anomaly-myopathy-facial dysmorphism syndrome. Last evaluated: 2024-02-02. Review status: criteria provided, single submitter. Criteria: ACMG Guidelines, 2015. Collection method: clinical testing. Allele origin: germline.

Labcorp Genetics (formerly Invitae), Labcorp
Classification: Uncertain significance. Last evaluated: 2022-10-05. Review status: criteria provided, single submitter. Criteria: Invitae Variant Classification Sherloc (09022015). Collection method: clinical testing. Allele origin: germline.
Comment: This sequence change replaces glycine with arginine at codon 487 of the MYO18B protein (p.Gly487Arg). The glycine residue is weakly conserved and there is a moderate physicochemical difference between glycine and arginine. This variant is present in population databases (rs370452415, gnomAD 0.2%). This variant has not been reported in the literature in individuals affected with MYO18B-related conditions. ClinVar contains an entry for this variant (Variation ID: 1431350). Algorithms developed to predict the effect of missense changes on protein structure and function output the following: SIFT: "Not Available"; PolyPhen-2: "Benign"; Align-GVGD: "Not Available". The arginine amino acid residue is found in multiple mammalian species, which suggests that this missense change does not adversely affect protein function. In summary, the available evidence is currently insufficient to determine the role of this variant in disease. Therefore, it has been classified as a Variant of Uncertain Significance.